The following is an entry in ClinVar:

NM_001134673.4(NFIA):c.343C>T (p.Arg115Ter)

Gene: NFIA (nuclear factor I A; plus strand). Cytogenetic location: 1p31.3.
Variant type: single nucleotide variant.
Coding change: c.343C>T on transcript NM_001134673.4 (MANE Select); coding-DNA position 343, C replaced by T.
Protein change: p.Arg115Ter; replaces arginine 115 with a stop codon.
Molecular consequence: nonsense.
Genome position (GRCh38, 1-based): chr1:61,088,464, C>T. VCF-style: chr1-61088464-C-T. GRCh37 (hg19) VCF-style: chr1-61554136-C-T.
Other names: c.478C>T (NM_001145512.1); c.319C>T, p.Arg107Ter (NM_001145511.2); c.478C>T, p.Arg160Ter (NM_001145512.2); c.343C>T, p.Arg115Ter (NM_005595.5); short protein forms R107*, R115*, R160*.
Identifiers: ClinVar variation 1710480 (VCV001710480.5), dbSNP rs2524200686, ClinGen allele CA340586833.

ClinVar aggregate classification (germline): Conflicting classifications of pathogenicity. Review status: criteria provided, conflicting classifications (1 of 4 stars). 3 submissions from 3 submitters: Pathogenic (1); Likely pathogenic (1); Uncertain significance (1). Last evaluated 2024-06-12.

Conditions:
NFIA-Related Disorder. Also called: NFIA-related condition; NFIA-related disorders. Identifiers: MedGen CN381099.
Inborn genetic diseases. Identifiers: MedGen C0950123, MeSH D030342.

Submissions (3):

Ambry Genetics
Classification: Pathogenic for Inborn genetic diseases. Last evaluated: 2024-06-12. Review status: criteria provided, single submitter. Criteria: Ambry Variant Classification Scheme 2023. Collection method: clinical testing. Allele origin: germline.
Comment: The c.478C>T (p.R160*) alteration, located in exon 3 (coding exon 3) of the NFIA gene, consists of a C to T substitution at nucleotide position 478. This changes the amino acid from a arginine (R) to a stop codon at amino acid position 160. This alteration is expected to result in loss of function by premature protein truncation or nonsense-mediated mRNA decay. This variant was not reported in population-based cohorts in the Genome Aggregation Database (gnomAD). This variant was reported as heterozygous in an individual with craniosynostosis, deep philtrum, high palate, biparietal narrowing, metopic suture, intellectual disability, and cystinuria (DECIPHER). Based on the available evidence, this alteration is classified as pathogenic.

Greenwood Genetic Center Diagnostic Laboratories, Greenwood Genetic Center
Classification: Uncertain significance. Last evaluated: 2022-08-10. Review status: criteria provided, single submitter. Criteria: ACMG Guidelines, 2015. Collection method: clinical testing. Allele origin: germline. Affected: yes.
Comment: PVS1, PM2, BS2

Blueprint Genetics
Classification: Likely pathogenic for NFIA-related disorders. Last evaluated: 2022-04-20. Review status: criteria provided, single submitter. Criteria: ACMG Guidelines, 2015. Collection method: clinical testing. Allele origin: germline. Affected: yes. Observed: 1 variant allele.